The following is an entry in ClinVar:

NM_005883.3(APC2):c.3019G>A (p.Gly1007Ser)

Gene: APC2 (APC regulator of Wnt signaling pathway 2; plus strand). Cytogenetic location: 19p13.3.
Variant type: single nucleotide variant.
Coding change: c.3019G>A on transcript NM_005883.3 (MANE Select); coding-DNA position 3019, G replaced by A.
Protein change: p.Gly1007Ser; replaces glycine 1007 with serine.
Molecular consequence: missense variant.
Genome position (GRCh38, 1-based): chr19:1,466,320, G>A. VCF-style: chr19-1466320-G-A. GRCh37 (hg19) VCF-style: chr19-1466319-G-A.
Other names: c.3016G>A, p.Gly1006Ser (NM_001351273.1); short protein forms G1007S, G1006S.
Identifiers: ClinVar variation 2039016 (VCV002039016.29), dbSNP rs761721926, ClinGen allele CA9045602.

ClinVar aggregate classification (germline): Uncertain significance. Review status: criteria provided, multiple submitters, no conflicts (2 of 4 stars). 5 submissions from 5 submitters: Uncertain significance (5). Last evaluated 2025-09-01.

Conditions:
Inborn genetic diseases. Identifiers: MedGen C0950123, MeSH D030342.
Intellectual developmental disorder, autosomal recessive 74 (MRT74). Also called: Sotos syndrome 3. Identifiers: MedGen C4310684, MONDO:0014951, OMIM 617169.

Allele frequency attached by ClinVar (database versions not stated): gnomAD exomes 0.00005; ExAC 0.00007; gnomAD 0.00019; TOPMed 0.00026.
gnomAD v4.1: 100 of 1,544,944 alleles (0.0065%); highest among the groups gnomAD compares: African/African-American, 0.059%; no homozygotes.

Submissions (5):

CeGaT Center for Human Genetics Tuebingen
Classification: Uncertain significance. Last evaluated: 2025-09-01. Review status: criteria provided, single submitter. Criteria: CeGaT Center For Human Genetics Tuebingen Variant Classification Criteria Version 2. Collection method: clinical testing. Allele origin: germline. Affected: yes. Observed: 2 variant alleles.
Comment: APC2: PM2

GeneDx
Classification: Uncertain significance. Last evaluated: 2024-11-18. Review status: criteria provided, single submitter. Criteria: GeneDx Variant Classification Process June 2021. Collection method: clinical testing. Allele origin: germline.
Comment: Identified with a second APC2 variant, phase unknown, in a preterm infant with progressive severe bronchopulmonary dysplasia; however, variants in other genes were also reported (PMID: 37401868); In silico analysis indicates that this missense variant does not alter protein structure/function; This variant is associated with the following publications: (PMID: 37401868)

Genomic Medicine Center of Excellence, King Faisal Specialist Hospital and Research Centre
Classification: Uncertain significance for Intellectual developmental disorder, autosomal recessive 74. Last evaluated: 2024-03-26. Review status: criteria provided, single submitter. Criteria: ACMG Guidelines, 2015. Collection method: clinical testing. Allele origin: germline.

Labcorp Genetics (formerly Invitae), Labcorp
Classification: Uncertain significance. Last evaluated: 2022-04-13. Review status: criteria provided, single submitter. Criteria: Invitae Variant Classification Sherloc (09022015). Collection method: clinical testing. Allele origin: germline.
Comment: This sequence change replaces glycine, which is neutral and non-polar, with serine, which is neutral and polar, at codon 1007 of the APC2 protein (p.Gly1007Ser). This variant is present in population databases (rs761721926, gnomAD 0.06%). This variant has not been reported in the literature in individuals affected with APC2-related conditions. Algorithms developed to predict the effect of missense changes on protein structure and function (SIFT, PolyPhen-2, Align-GVGD) all suggest that this variant is likely to be tolerated. In summary, the available evidence is currently insufficient to determine the role of this variant in disease. Therefore, it has been classified as a Variant of Uncertain Significance.

Ambry Genetics
Classification: Uncertain significance for Inborn genetic diseases. Last evaluated: 2021-07-16. Review status: criteria provided, single submitter. Criteria: Ambry Variant Classification Scheme 2023. Collection method: clinical testing. Allele origin: germline.